The following is an entry in ClinVar:

NC_000004.11:g.(?_120095665)_(120107238_?)del

Gene: MYOZ2 (myozenin 2; plus strand). Cytogenetic location: 4q26.
Variant type: Deletion.
Identifiers: ClinVar variation 1450962 (VCV001450962.4).

ClinVar aggregate classification (germline): Uncertain significance (1 of 4 stars; one submission).

Conditions:
Hypertrophic cardiomyopathy. Also called: HYPERTROPHIC MYOCARDIOPATHY. Identifiers: Orphanet 217569, MedGen C0007194, MeSH D002312, MONDO:0005045, HP:0001639.

Submission:

Labcorp Genetics (formerly Invitae), Labcorp
Classification: Uncertain significance for Hypertrophic cardiomyopathy. Last evaluated: 2020-11-08. Review status: criteria provided, single submitter. Criteria: Invitae Variant Classification Sherloc (09022015). Collection method: clinical testing. Allele origin: germline.
Comment: In summary, the available evidence is currently insufficient to determine the role of this variant in disease. Therefore, it has been classified as a Variant of Uncertain Significance. Nucleotide substitutions within the consensus splice site are a relatively common cause of aberrant splicing (PMID: 17576681, 9536098). Experimental studies and prediction algorithms are not available or were not evaluated, and the functional significance of this variant is currently unknown. This variant has not been reported in the literature in individuals with MYOZ2-related conditions. This variant results in the deletion of part of exon 6 (c.560+10116_678del) of the MYOZ2 gene. It affects a nucleotide within the consensus splice site of the intron.

Literature cited by the submitters: PubMed 17576681; PubMed 9536098.